The following is an entry in ClinVar:

ClinVar aggregate classification (germline): Uncertain significance. Review status: criteria provided, multiple submitters, no conflicts (2 of 4 stars). 2 submissions from 2 submitters: Uncertain significance (2). Last evaluated 2025-04-14.

Conditions:
Arrhythmogenic right ventricular dysplasia 9 (ARVD9). Also called: Arrhythmogenic Right Ventricular Dysplasia/Cardiomyopathy 9; ARRHYTHMOGENIC RIGHT VENTRICULAR DYSPLASIA, FAMILIAL, 9. Identifiers: MedGen C1836906, MONDO:0012180, OMIM 609040.
Cardiovascular phenotype. Identifiers: MedGen CN230736.

Submissions (2):

Ambry Genetics
Classification: Uncertain significance for Cardiovascular phenotype. Last evaluated: 2025-04-14. Review status: criteria provided, single submitter. Criteria: Ambry Variant Classification Scheme 2023. Collection method: clinical testing. Allele origin: germline.
Comment: The c.1336_1338delCTG variant (also known as p.L446del) is located in coding exon 5 of the PKP2 gene. This variant results from an in-frame CTG deletion at nucleotide positions 1336 to 1338. This results in the in-frame deletion of a leucine at codon 446. This amino acid position is highly conserved in available vertebrate species. In addition, this alteration is predicted to be deleterious by in silico analysis (Choi Y et al. PLoS ONE. 2012; 7(10):e46688). Based on the available evidence, the clinical significance of this variant remains unclear.

Labcorp Genetics (formerly Invitae), Labcorp
Classification: Uncertain significance for Arrhythmogenic right ventricular dysplasia 9. Last evaluated: 2025-01-08. Review status: criteria provided, single submitter. Criteria: Invitae Variant Classification Sherloc (09022015). Collection method: clinical testing. Allele origin: germline.
Comment: This variant, c.1336_1338del, results in the deletion of 1 amino acid(s) of the PKP2 protein (p.Leu446del), but otherwise preserves the integrity of the reading frame. This variant is not present in population databases (gnomAD no frequency). This variant has not been reported in the literature in individuals affected with PKP2-related conditions. Experimental studies and prediction algorithms are not available or were not evaluated, and the functional significance of this variant is currently unknown. In summary, the available evidence is currently insufficient to determine the role of this variant in disease. Therefore, it has been classified as a Variant of Uncertain Significance.

NM_001005242.3(PKP2):c.1336_1338del (p.Leu446del)

Gene: PKP2 (plakophilin 2; minus strand). Cytogenetic location: 12p11.21.
Variant type: Deletion.
Coding change: c.1336_1338del on transcript NM_001005242.3 (MANE Select); coding-DNA positions 1336 to 1338, 3 bases deleted (CTG; older notation c.1336_1338delCTG).
Protein change: p.Leu446del; deletes leucine 446.
Genome position (GRCh38, 1-based): chr12:32,850,806-32,850,808, CAG deleted on the plus strand (CTG on the coding strand, the reverse complement: PKP2 is on the minus strand); deleting any 3 consecutive bases within chr12:32,850,806-32,850,810 gives the same sequence; the c. name uses the placement nearest the transcript's 3' end. VCF-style (leftmost placement, unchanged base first): chr12-32850805-TCAG-T. GRCh37 (hg19) VCF-style: chr12-33003739-TCAG-T.
Other names: c.1336_1338del, p.Leu446del (NM_001407155.1, NM_001407156.1, NM_001407157.1 and 2 more transcripts); c.1009_1011del, p.Leu337del (NM_001407158.1, NM_001407159.1, NM_001407160.1 and 1 more transcripts); c.1336_1338delCTG (NM_004572.3); short protein forms L446del, L337del.
Identifiers: ClinVar variation 3728715 (VCV003728715.3).
Genomic context (GRCh38, chr12:32,850,805, plus strand): 5'-TCAATGTTCAGTAAGCACTACCTGTTATTTGTTTTTTAGTCTCCAAGTCTCTGGTTTGCT[TCAG>T]CACCTGGAGCAGCCGAGGTACCCCATTTAGTTCAGCCACCTCCAATTTGTTGTCATTGTC-3'